The following is an entry in ClinVar:

ClinVar aggregate classification (germline): Uncertain significance. Review status: criteria provided, multiple submitters, no conflicts (2 of 4 stars). 3 submissions from 3 submitters: Uncertain significance (3). Last evaluated 2023-01-23.

Conditions:
Inborn genetic diseases. Identifiers: MedGen C0950123, MeSH D030342.

Allele frequency attached by ClinVar (database versions not stated): gnomAD exomes below 0.00001.
gnomAD v4.1: 1 of 1,614,134 alleles (0.000062%); highest among the groups gnomAD compares: African/African-American, 0.0013%; no homozygotes.

Submissions (3):

Labcorp Genetics (formerly Invitae), Labcorp
Classification: Uncertain significance. Last evaluated: 2023-01-23. Review status: criteria provided, single submitter. Criteria: Invitae Variant Classification Sherloc (09022015). Collection method: clinical testing. Allele origin: germline.
Comment: In summary, the available evidence is currently insufficient to determine the role of this variant in disease. Therefore, it has been classified as a Variant of Uncertain Significance. Algorithms developed to predict the effect of missense changes on protein structure and function (SIFT, PolyPhen-2, Align-GVGD) all suggest that this variant is likely to be tolerated. This variant has not been reported in the literature in individuals affected with CACNA1D-related conditions. This variant is not present in population databases (gnomAD no frequency). This sequence change replaces asparagine, which is neutral and polar, with lysine, which is basic and polar, at codon 485 of the CACNA1D protein (p.Asn485Lys).

Ambry Genetics
Classification: Uncertain significance for Inborn genetic diseases. Last evaluated: 2022-01-07. Review status: criteria provided, single submitter. Criteria: Ambry Variant Classification Scheme 2023. Collection method: clinical testing. Allele origin: germline.

Blueprint Genetics
Classification: Uncertain significance. Last evaluated: 2021-12-22. Review status: criteria provided, single submitter. Criteria: ACMG Guidelines, 2015. Collection method: clinical testing. Allele origin: germline.

NM_001128840.3(CACNA1D):c.1455C>G (p.Asn485Lys)

Gene: CACNA1D (calcium voltage-gated channel subunit alpha1 D; plus strand). Cytogenetic location: 3p21.1.
Variant type: single nucleotide variant.
Coding change: c.1455C>G on transcript NM_001128840.3 (MANE Select); coding-DNA position 1455, C replaced by G.
Protein change: p.Asn485Lys; replaces asparagine 485 with lysine.
Molecular consequence: missense variant.
Genome position (GRCh38, 1-based): chr3:53,718,365, C>G. VCF-style: chr3-53718365-C-G. GRCh37 (hg19) VCF-style: chr3-53752392-C-G.
Other names: c.1455C>G, p.Asn485Lys (NM_000720.4, NM_001128839.3); short protein forms N485K.
Identifiers: ClinVar variation 1933305 (VCV001933305.7), dbSNP rs1046501490, ClinGen allele CA74844693.